The following is an entry in ClinVar:

ClinVar aggregate classification (germline): Uncertain significance. Review status: criteria provided, multiple submitters, no conflicts (2 of 4 stars). 2 submissions from 2 submitters: Uncertain significance (2). Last evaluated 2025-12-28.

Conditions:
Emery-Dreifuss muscular dystrophy 5, autosomal dominant (EDMD5). Also called: EMERY-DREIFUSS MUSCULAR DYSTROPHY 5. Identifiers: Orphanet 261, MedGen C2751805, MONDO:0013072, OMIM 612999.

gnomAD v4.1: 2 of 1,614,090 alleles (0.00012%); highest among the groups gnomAD compares: Non-Finnish European, 0.00017%; no homozygotes.

Submissions (2):

Labcorp Genetics (formerly Invitae), Labcorp
Classification: Uncertain significance for Emery-Dreifuss muscular dystrophy 5, autosomal dominant. Last evaluated: 2025-12-28. Review status: criteria provided, single submitter. Criteria: Invitae Variant Classification Sherloc (09022015). Collection method: clinical testing. Allele origin: germline.
Comment: This sequence change replaces glutamic acid, which is acidic and polar, with alanine, which is neutral and non-polar, at codon 3477 of the SYNE2 protein (p.Glu3477Ala). This variant is not present in population databases (gnomAD no frequency). This variant has not been reported in the literature in individuals affected with SYNE2-related conditions. ClinVar contains an entry for this variant (Variation ID: 4178557). An algorithm developed to predict the effect of missense changes on protein structure and function (PolyPhen-2) suggests that this variant is likely to be disruptive. In summary, the available evidence is currently insufficient to determine the role of this variant in disease. Therefore, it has been classified as a Variant of Uncertain Significance.

Ambry Genetics
Classification: Uncertain significance. Last evaluated: 2025-08-29. Review status: criteria provided, single submitter. Criteria: Ambry Variant Classification Scheme 2023. Collection method: clinical testing. Allele origin: germline.

NM_182914.3(SYNE2):c.10430A>C (p.Glu3477Ala)

Gene: SYNE2 (spectrin repeat containing nuclear envelope protein 2; plus strand). Cytogenetic location: 14q23.2.
Variant type: single nucleotide variant.
Coding change: c.10430A>C on transcript NM_182914.3 (MANE Select); coding-DNA position 10430, A replaced by C.
Protein change: p.Glu3477Ala; replaces glutamic acid 3477 with alanine.
Molecular consequence: missense variant.
Genome position (GRCh38, 1-based): chr14:64,065,649, A>C. VCF-style: chr14-64065649-A-C. GRCh37 (hg19) VCF-style: chr14-64532367-A-C.
Other names: c.10430A>C, p.Glu3477Ala (NM_015180.6); short protein forms E3477A.
Identifiers: ClinVar variation 4178557 (VCV004178557.2).